The following is an entry in ClinVar:

ClinVar aggregate classification (germline): Uncertain significance (1 of 4 stars; one submission).

Conditions:
Distichiasis-lymphedema syndrome. Also called: LYMPHEDEMA WITH DISTICHIASIS. Identifiers: Orphanet 33001, MedGen C0265345, MONDO:0007922, OMIM 153400.

Submission:

MVZ Medizinische Genetik Mainz
Classification: Uncertain significance for Distichiasis-lymphedema syndrome. Last evaluated: 2024-04-08. Review status: criteria provided, single submitter. Criteria: UK Practice Guidelines For Variant Classification V4 01 2020. Collection method: clinical testing. Allele origin: germline. Inheritance: Autosomal dominant inheritance. Affected: yes. Observed: 1 variant allele.
Comment: ACMG Criteria: PP3_MOD,PM1_SUP,PM2_SUP

NM_005251.3(FOXC2):c.390C>A (p.Phe130Leu)

Genes: FOXC2 (forkhead box C2; plus strand), FOXC2-AS1 (FOXC2 antisense RNA 1; minus strand). Cytogenetic location: 16q24.1.
Variant type: single nucleotide variant.
Coding change: c.390C>A on transcript NM_005251.3 (MANE Select); coding-DNA position 390, C replaced by A.
Protein change: p.Phe130Leu; replaces phenylalanine 130 with leucine.
Molecular consequence: missense variant. On other transcripts: non-coding transcript variant (1).
Genome position (GRCh38, 1-based): chr16:86,567,725, C>A. VCF-style: chr16-86567725-C-A. GRCh37 (hg19) VCF-style: chr16-86601331-C-A.
Other names: short protein forms F130L.
Identifiers: ClinVar variation 3236814 (VCV003236814.1), dbSNP rs2507944583.